The following is an entry in ClinVar:

ClinVar aggregate classification (germline): Uncertain significance (1 of 4 stars; one submission).

Conditions:
Ataxia-telangiectasia-like disorder (ATLD). Identifiers: MedGen C1858391, MONDO:0011457.

Submission:

Labcorp Genetics (formerly Invitae), Labcorp
Classification: Uncertain significance for Ataxia-telangiectasia-like disorder. Last evaluated: 2024-07-23. Review status: criteria provided, single submitter. Criteria: Invitae Variant Classification Sherloc (09022015). Collection method: clinical testing. Allele origin: germline.
Comment: This sequence change falls in intron 18 of the MRE11 gene. It does not directly change the encoded amino acid sequence of the MRE11 protein. It affects a nucleotide within the consensus splice site. This variant is not present in population databases (gnomAD no frequency). This variant has not been reported in the literature in individuals affected with MRE11-related conditions. Variants that disrupt the consensus splice site are a relatively common cause of aberrant splicing (PMID: 17576681, 9536098). Algorithms developed to predict the effect of sequence changes on RNA splicing suggest that this variant may disrupt the consensus splice site. In summary, the available evidence is currently insufficient to determine the role of this variant in disease. Therefore, it has been classified as a Variant of Uncertain Significance.

Literature cited by the submitters: PubMed 17576681; PubMed 9536098.

NM_005591.4(MRE11):c.1994+5G>A

Gene: MRE11 (MRE11 double strand break repair nuclease; minus strand). Cytogenetic location: 11q21.
Variant type: single nucleotide variant.
Coding change: c.1994+5G>A on transcript NM_005591.4 (MANE Select); 5 bases into the intron after coding-DNA position 1994, G replaced by A.
Molecular consequence: intron variant.
Genome position (GRCh38, 1-based): chr11:94,435,827, C>T on the plus strand (G>A on the coding strand, the complement: MRE11 is on the minus strand). VCF-style: chr11-94435827-C-T. GRCh37 (hg19) VCF-style: chr11-94168993-C-T.
Other names: c.1991+5G>A (NM_001330347.2); c.1910+5G>A (NM_005590.4).
Identifiers: ClinVar variation 3670506 (VCV003670506.2).